The following is an entry in ClinVar:

NM_203447.4(DOCK8):c.3701-3C>T

Gene: DOCK8 (dedicator of cytokinesis 8; plus strand). Cytogenetic location: 9p24.3.
Variant type: single nucleotide variant.
Coding change: c.3701-3C>T on transcript NM_203447.4 (MANE Select); 3 bases into the intron before coding-DNA position 3701, C replaced by T.
Molecular consequence: intron variant.
Genome position (GRCh38, 1-based): chr9:418,065, C>T. VCF-style: chr9-418065-C-T. GRCh37 (hg19) VCF-style: chr9-418065-C-T.
Other names: c.3497-3C>T (NM_001193536.2); c.3401-3C>T (NM_001190458.2).
Identifiers: ClinVar variation 3700798 (VCV003700798.2).

ClinVar aggregate classification (germline): Uncertain significance (1 of 4 stars; one submission).

Conditions:
Combined immunodeficiency due to DOCK8 deficiency (HIES2). Also called: HYPER-IgE RECURRENT INFECTION SYNDROME 2, AUTOSOMAL RECESSIVE; HYPER-IgE SYNDROME 2, AUTOSOMAL RECESSIVE, WITH RECURRENT INFECTIONS; HIES autosomal recessive; Hyper-IgE recurrent infection syndrome, autosomal recessive; DOCK8 Deficiency. Identifiers: Orphanet 217390, MedGen C4722305, MONDO:0009478, OMIM 243700.

gnomAD v4.1: 6 of 1,614,056 alleles (0.00037%); highest among the groups gnomAD compares: African/African-American, 0.0067%; no homozygotes.

Submission:

Labcorp Genetics (formerly Invitae), Labcorp
Classification: Uncertain significance for Combined immunodeficiency due to DOCK8 deficiency. Last evaluated: 2024-10-29. Review status: criteria provided, single submitter. Criteria: Invitae Variant Classification Sherloc (09022015). Collection method: clinical testing. Allele origin: germline.
Comment: This sequence change falls in intron 29 of the DOCK8 gene. It does not directly change the encoded amino acid sequence of the DOCK8 protein. It affects a nucleotide within the consensus splice site. This variant is present in population databases (rs763479436, gnomAD 0.02%). This variant has not been reported in the literature in individuals affected with DOCK8-related conditions. Variants that disrupt the consensus splice site are a relatively common cause of aberrant splicing (PMID: 17576681, 9536098). Algorithms developed to predict the effect of sequence changes on RNA splicing suggest that this variant is not likely to affect RNA splicing. In summary, the available evidence is currently insufficient to determine the role of this variant in disease. Therefore, it has been classified as a Variant of Uncertain Significance.

Literature cited by the submitters: PubMed 17576681; PubMed 9536098.